The following is an entry in ClinVar:

NM_001903.5(CTNNA1):c.1107T>G (p.Asp369Glu)

Gene: CTNNA1 (catenin alpha 1; plus strand). Cytogenetic location: 5q31.2.
Variant type: single nucleotide variant.
Coding change: c.1107T>G on transcript NM_001903.5 (MANE Select); coding-DNA position 1107, T replaced by G.
Protein change: p.Asp369Glu; replaces aspartic acid 369 with glutamic acid.
Molecular consequence: missense variant. On other transcripts: 5 prime UTR variant (26), intron variant (2).
Genome position (GRCh38, 1-based): chr5:138,886,256, T>G. VCF-style: chr5-138886256-T-G. GRCh37 (hg19) VCF-style: chr5-138221945-T-G.
Other names: c.1107T>G, p.Asp369Glu (NM_001290307.3, NM_001323982.2, NM_001323983.1 and 3 more transcripts); c.798T>G, p.Asp266Glu (NM_001290309.3); c.738T>G, p.Asp246Glu (NM_001290310.3); c.-4T>G (NM_001290312.1, NM_001323987.1, NM_001323988.1 and 18 more transcripts); c.-401T>G (NM_001324006.1, NM_001324007.1, NM_001324008.1 and 1 more transcripts); c.-276T>G (NM_001324013.1); c.-58+10659T>G (NM_001324012.1); c.-61+10659T>G (NM_001324010.1); short protein forms D369E, D246E, D266E.
Identifiers: ClinVar variation 658295 (VCV000658295.15), dbSNP rs1581474221, ClinGen allele CA361132566.
Genomic context (GRCh38, chr5:138,886,256, plus strand): 5'-TTTTCCTTTTATCCAGGCTGGACGTAAAGAAAGAAGTGATGCACTCAATTCTGCAATAGA[T>G]AAAATGACCAAGAAGACCAGGGACTTGCGTAGACAGGTAATCTGGATGAAAGTGCTGATT-3'
Protein context (NP_001894.2, residues 359-379): ERSDALNSAI[Asp369Glu]KMTKKTRDLR

ClinVar aggregate classification (germline): Uncertain significance. Review status: criteria provided, multiple submitters, no conflicts (2 of 4 stars). 3 submissions from 3 submitters: Uncertain significance (3). Last evaluated 2025-12-02.

Conditions:
Patterned macular dystrophy 2. Identifiers: Orphanet 99001, MedGen C1837029, MONDO:0012162, OMIM 608970.
Hereditary cancer-predisposing syndrome. Also called: Hereditary neoplastic syndrome; Neoplastic Syndromes, Hereditary; Hereditary Cancer Syndrome; Tumor predisposition. Identifiers: Orphanet 140162, MedGen C0027672, MeSH D009386, MONDO:0015356.

Submissions (3):

Labcorp Genetics (formerly Invitae), Labcorp
Classification: Uncertain significance. Last evaluated: 2025-12-02. Review status: criteria provided, single submitter. Criteria: Invitae Variant Classification Sherloc (09022015). Collection method: clinical testing. Allele origin: germline.
Comment: This sequence change replaces aspartic acid, which is acidic and polar, with glutamic acid, which is acidic and polar, at codon 369 of the CTNNA1 protein (p.Asp369Glu). This variant is not present in population databases (gnomAD no frequency). This variant has not been reported in the literature in individuals affected with CTNNA1-related conditions. ClinVar contains an entry for this variant (Variation ID: 658295). Invitae Evidence Modeling of protein sequence and biophysical properties (such as structural, functional, and spatial information, amino acid conservation, physicochemical variation, residue mobility, and thermodynamic stability) indicates that this missense variant is not expected to disrupt CTNNA1 protein function with a negative predictive value of 80%. In summary, the available evidence is currently insufficient to determine the role of this variant in disease. Therefore, it has been classified as a Variant of Uncertain Significance.

Ambry Genetics
Classification: Uncertain significance for Hereditary cancer-predisposing syndrome. Last evaluated: 2024-10-24. Review status: criteria provided, single submitter. Criteria: Ambry Variant Classification Scheme 2023. Collection method: clinical testing. Allele origin: germline.
Comment: The p.D369E variant (also known as c.1107T>G), located in coding exon 7 of the CTNNA1 gene, results from a T to G substitution at nucleotide position 1107. The aspartic acid at codon 369 is replaced by glutamic acid, an amino acid with highly similar properties. This amino acid position is highly conserved in available vertebrate species. In addition, this alteration is predicted to be tolerated by in silico analysis. The evidence for this gene-disease relationship is limited; therefore, the clinical significance of this alteration is unclear.

Baylor Genetics
Classification: Uncertain significance for Patterned macular dystrophy 2. Last evaluated: 2023-10-24. Review status: criteria provided, single submitter. Criteria: ACMG Guidelines, 2015. Collection method: clinical testing. Allele origin: unknown.